The following is an entry in ClinVar:

ClinVar aggregate classification (germline): Conflicting classifications of pathogenicity. Review status: criteria provided, conflicting classifications (1 of 4 stars). 3 submissions from 3 submitters: Uncertain significance (2); Likely benign (1). Last evaluated 2023-03-23.

Conditions:
Hereditary cancer-predisposing syndrome. Also called: Hereditary Cancer Syndrome; Hereditary neoplastic syndrome; Neoplastic Syndromes, Hereditary; Tumor predisposition. Identifiers: Orphanet 140162, MedGen C0027672, MeSH D009386, MONDO:0015356.
Hereditary breast ovarian cancer syndrome. Also called: Hereditary breast and ovarian cancer; Breast and ovarian cancer; Hereditary breast and ovarian cancer syndrome; Hereditary breast and/or ovarian cancer syndrome; BRCA1- and BRCA2-Associated Hereditary Breast and Ovarian Cancer; Hereditary breast and ovarian cancer syndrome (HBOC). Identifiers: Orphanet 145, MedGen C0677776, MeSH D061325, MONDO:0003582. Disease mechanism: loss of function.

Submissions (3):

University of Washington Department of Laboratory Medicine, University of Washington
Classification: Likely benign for Hereditary cancer-predisposing syndrome. Last evaluated: 2023-03-23. Review status: criteria provided, single submitter. Criteria: Dines et al. (Genet Med. 2020). Collection method: curation. Allele origin: germline.
Comment: Missense variant in a coldspot region where missense variants are very unlikely to be pathogenic (PMID:31911673).

BRCA2 exon 10 coldspot. Reclassification based on statistical prior probability.

Labcorp Genetics (formerly Invitae), Labcorp
Classification: Uncertain significance for Hereditary breast ovarian cancer syndrome. Last evaluated: 2022-12-26. Review status: criteria provided, single submitter. Criteria: Invitae Variant Classification Sherloc (09022015). Collection method: clinical testing. Allele origin: germline.
Comment: In summary, the available evidence is currently insufficient to determine the role of this variant in disease. Therefore, it has been classified as a Variant of Uncertain Significance. Advanced modeling of protein sequence and biophysical properties (such as structural, functional, and spatial information, amino acid conservation, physicochemical variation, residue mobility, and thermodynamic stability) performed at Invitae indicates that this missense variant is not expected to disrupt BRCA2 protein function. ClinVar contains an entry for this variant (Variation ID: 441459). This variant has not been reported in the literature in individuals affected with BRCA2-related conditions. This variant is not present in population databases (gnomAD no frequency). This sequence change replaces glycine, which is neutral and non-polar, with valine, which is neutral and non-polar, at codon 578 of the BRCA2 protein (p.Gly578Val).

Ambry Genetics
Classification: Uncertain significance for Hereditary cancer-predisposing syndrome. Last evaluated: 2015-12-07. Review status: criteria provided, single submitter. Criteria: Ambry Variant Classification Scheme 2023. Collection method: clinical testing. Allele origin: germline.
Comment: The p.G578V variant (also known as c.1733G>T), located in coding exon 9 of the BRCA2 gene, results from a G to T substitution at nucleotide position 1733. The glycine at codon 578 is replaced by valine, an amino acid with dissimilar properties. This amino acid position is well conserved in available vertebrate species. In addition, this alteration is predicted to be tolerated by in silico analysis. Since supporting evidence is limited at this time, the clinical significance of p.G578V remains unclear.

NM_000059.4(BRCA2):c.1733G>T (p.Gly578Val)

Gene: BRCA2 (BRCA2 DNA repair associated; plus strand). Cytogenetic location: 13q13.1.
Variant type: single nucleotide variant.
Coding change: c.1733G>T on transcript NM_000059.4 (MANE Select); coding-DNA position 1733, G replaced by T.
Protein change: p.Gly578Val; replaces glycine 578 with valine.
Molecular consequence: missense variant.
Genome position (GRCh38, 1-based): chr13:32,333,211, G>T. VCF-style: chr13-32333211-G-T. GRCh37 (hg19) VCF-style: chr13-32907348-G-T.
Other names: short protein forms G578V.
Identifiers: ClinVar variation 441459 (VCV000441459.12), dbSNP rs398122730, ClinGen allele CA387765404.